The following is an entry in ClinVar:

ClinVar aggregate classification (germline): Uncertain significance. Review status: criteria provided, multiple submitters, no conflicts (2 of 4 stars). 3 submissions from 3 submitters: Uncertain significance (3). Last evaluated 2026-09-12.

Allele frequency attached by ClinVar (database versions not stated): ExAC 0.00019; gnomAD 0.00025.

Submissions (3):

GeneDx
Classification: Uncertain significance. Last evaluated: 2026-09-12. Review status: criteria provided, single submitter. Criteria: GeneDx Variant Classification Process June 2021. Collection method: clinical testing. Allele origin: germline.
Comment: In silico analysis supports that this missense variant has a deleterious effect on protein structure/function; Has not been previously published as pathogenic or benign to our knowledge

CeGaT Center for Human Genetics Tuebingen
Classification: Uncertain significance. Last evaluated: 2025-12-01. Review status: criteria provided, single submitter. Criteria: CeGaT Center For Human Genetics Tuebingen Variant Classification Criteria Version 2. Collection method: clinical testing. Allele origin: germline. Affected: yes. Observed: 1 variant allele.
Comment: OTOG: PM2

Blueprint Genetics
Classification: Uncertain significance. Last evaluated: 2022-12-09. Review status: criteria provided, single submitter. Criteria: ACMG Guidelines, 2015. Collection method: clinical testing. Allele origin: germline.

NM_001292063.2(OTOG):c.2444C>T (p.Pro815Leu)

Gene: OTOG (otogelin; plus strand). Cytogenetic location: 11p15.1.
Variant type: single nucleotide variant.
Coding change: c.2444C>T on transcript NM_001292063.2 (MANE Select); coding-DNA position 2444, C replaced by T.
Protein change: p.Pro815Leu; replaces proline 815 with leucine.
Molecular consequence: missense variant.
Genome position (GRCh38, 1-based): chr11:17,574,870, C>T. VCF-style: chr11-17574870-C-T. GRCh37 (hg19) VCF-style: chr11-17596417-C-T.
Other names: c.2480C>T, p.Pro827Leu (NM_001277269.2); short protein forms P815L, P827L.
Identifiers: ClinVar variation 3252425 (VCV003252425.7), dbSNP rs747805108.
Genomic context (GRCh38, chr11:17,574,870, plus strand): 5'-GGGTTGATGGTGGCGATGACCTGAGCAGAGACGAGTGTGTGGAGGGCTGTGCCTGCCCAC[C>T]GGACACCTATCTGGACACCCAGGCTGACCTCTGTGTCCCCCGGTGAGTGGGTCAGCTTGA-3'
Protein context (NP_001278992.1, residues 805-825): DECVEGCACP[Pro815Leu]DTYLDTQADL